The following is an entry in ClinVar:

NM_000256.3(MYBPC3):c.2703G>A (p.Leu901=)

Gene: MYBPC3 (myosin binding protein C3; minus strand). Cytogenetic location: 11p11.2.
Variant type: single nucleotide variant.
Coding change: c.2703G>A on transcript NM_000256.3 (MANE Select); coding-DNA position 2703, G replaced by A.
Protein change: p.Leu901=; no amino-acid change (leucine 901 retained).
Molecular consequence: synonymous variant.
Genome position (GRCh38, 1-based): chr11:47,335,911, C>T on the plus strand (G>A on the coding strand, the complement: MYBPC3 is on the minus strand). VCF-style: chr11-47335911-C-T. GRCh37 (hg19) VCF-style: chr11-47357462-C-T.
Identifiers: ClinVar variation 1172127 (VCV001172127.6), dbSNP rs1037394922, ClinGen allele CA221685839.

ClinVar aggregate classification (germline): Likely benign. Review status: criteria provided, multiple submitters, no conflicts (2 of 4 stars). 3 submissions from 3 submitters: Likely benign (2). 1 of the submissions does not count toward it. Last evaluated 2023-10-14.

Conditions:
Hypertrophic cardiomyopathy. Also called: HYPERTROPHIC MYOCARDIOPATHY. Identifiers: Orphanet 217569, MedGen C0007194, MeSH D002312, MONDO:0005045, HP:0001639.
Cardiomyopathy (CMYO). Also called: Cardiomyopathies. Identifiers: Orphanet 167848, MedGen C0878544, MONDO:0004994, HP:0001638. Inheritance: Various modes of inheritance.
MYBPC3-related disorder. Also called: MYBPC3-related disorders; MYBPC3-related condition; MYBPC3-related disease.

Allele frequency attached by ClinVar (database versions not stated): gnomAD exomes below 0.00001.

Submissions (3):

Labcorp Genetics (formerly Invitae), Labcorp
Classification: Likely benign for Hypertrophic cardiomyopathy. Last evaluated: 2023-10-14. Review status: criteria provided, single submitter. Criteria: Invitae Variant Classification Sherloc (09022015). Collection method: clinical testing. Allele origin: germline.

Color Diagnostics, LLC DBA Color Health
Classification: Likely benign for Cardiomyopathy. Last evaluated: 2020-11-16. Review status: criteria provided, single submitter. Criteria: ACMG Guidelines, 2015. Collection method: clinical testing. Allele origin: germline.

PreventionGenetics, part of Exact Sciences
Classification: Likely benign for MYBPC3-related condition. Last evaluated: 2024-09-10. Review status: no assertion criteria provided. Collection method: clinical testing. Allele origin: germline. Not counted in ClinVar's aggregate classification.
Comment: This variant is classified as likely benign based on ACMG/AMP sequence variant interpretation guidelines (Richards et al. 2015 PMID: 25741868, with internal and published modifications).